The following is an entry in ClinVar:

ClinVar aggregate classification (germline): Uncertain significance. Review status: criteria provided, multiple submitters, no conflicts (2 of 4 stars). 2 submissions from 2 submitters: Uncertain significance (2). Last evaluated 2024-10-10.

Allele frequency attached by ClinVar (database versions not stated): gnomAD 0.00001; gnomAD exomes 0.00001 and 0.00005; TOPMed 0.00002.

Submissions (2):

Labcorp Genetics (formerly Invitae), Labcorp
Classification: Uncertain significance. Last evaluated: 2024-10-10. Review status: criteria provided, single submitter. Criteria: Invitae Variant Classification Sherloc (09022015). Collection method: clinical testing. Allele origin: germline.
Comment: This sequence change replaces glutamic acid, which is acidic and polar, with lysine, which is basic and polar, at codon 131 of the PRDM13 protein (p.Glu131Lys). This variant is present in population databases (rs755948912, gnomAD 0.003%). This variant has not been reported in the literature in individuals affected with PRDM13-related conditions. ClinVar contains an entry for this variant (Variation ID: 1047014). An algorithm developed to predict the effect of missense changes on protein structure and function (PolyPhen-2) suggests that this variant is likely to be tolerated. In summary, the available evidence is currently insufficient to determine the role of this variant in disease. Therefore, it has been classified as a Variant of Uncertain Significance.

Blueprint Genetics
Classification: Uncertain significance. Last evaluated: 2022-02-23. Review status: criteria provided, single submitter. Criteria: ACMG Guidelines, 2015. Collection method: clinical testing. Allele origin: germline.

NM_021620.4(PRDM13):c.391G>A (p.Glu131Lys)

Gene: PRDM13 (PR/SET domain 13; plus strand). Cytogenetic location: 6q16.2.
Variant type: single nucleotide variant.
Coding change: c.391G>A on transcript NM_021620.4 (MANE Select); coding-DNA position 391, G replaced by A.
Protein change: p.Glu131Lys; replaces glutamic acid 131 with lysine.
Molecular consequence: missense variant.
Genome position (GRCh38, 1-based): chr6:99,609,301, G>A. VCF-style: chr6-99609301-G-A. GRCh37 (hg19) VCF-style: chr6-100057177-G-A.
Other names: short protein forms E131K.
Identifiers: ClinVar variation 1047014 (VCV001047014.9), dbSNP rs755948912, ClinGen allele CA143972492.